The following is an entry in ClinVar:

NM_033109.5(PNPT1):c.1907-267T>C

Gene: PNPT1 (polyribonucleotide nucleotidyltransferase 1; minus strand). Cytogenetic location: 2p16.1.
Variant type: single nucleotide variant.
Coding change: c.1907-267T>C on transcript NM_033109.5 (MANE Select); 267 bases into the intron before coding-DNA position 1907, T replaced by C.
Molecular consequence: intron variant.
Genome position (GRCh38, 1-based): chr2:55,643,692, A>G on the plus strand (T>C on the coding strand, the complement: PNPT1 is on the minus strand). VCF-style: chr2-55643692-A-G. GRCh37 (hg19) VCF-style: chr2-55870827-A-G.
Identifiers: ClinVar variation 683578 (VCV000683578.1), dbSNP rs13383352, ClinGen allele CA11068333.

ClinVar aggregate classification (germline): Benign (1 of 4 stars; one submission).

Allele frequency attached by ClinVar (database versions not stated): gnomAD 0.14207 and 0.14833; 1000 Genomes Project 0.14736; 1000 Genomes Project 30x 0.15006; TOPMed 0.15293.
gnomAD v4.1: 21,412 of 151,776 alleles (14%); highest among the groups gnomAD compares: African/African-American, 37%; 3,071 homozygotes.

Submission:

GeneDx
Classification: Benign. Last evaluated: 2018-06-19. Review status: criteria provided, single submitter. Criteria: GeneDx Variant Classification (06012015). Collection method: clinical testing. Allele origin: germline. Affected: yes.
Comment: This variant is considered likely benign or benign based on one or more of the following criteria: it is a conservative change, it occurs at a poorly conserved position in the protein, it is predicted to be benign by multiple in silico algorithms, and/or has population frequency not consistent with disease.